The following is an entry in ClinVar:

ClinVar aggregate classification (germline): Uncertain significance (1 of 4 stars; one submission).

Submission:

Ambry Genetics
Classification: Uncertain significance. Last evaluated: 2025-11-16. Review status: criteria provided, single submitter. Criteria: Ambry Variant Classification Scheme 2023. Collection method: clinical testing. Allele origin: germline.
Comment: The p.A102S variant (also known as c.304G>T), located in coding exon 2 of the MYLK2 gene, results from a G to T substitution at nucleotide position 304. The alanine at codon 102 is replaced by serine, an amino acid with similar properties. This amino acid position is conserved. In addition, this alteration is predicted to be tolerated by in silico analysis. Based on the available evidence, the clinical significance of this variant remains unclear.

NM_033118.4(MYLK2):c.304G>T (p.Ala102Ser)

Gene: MYLK2 (myosin light chain kinase 2; plus strand). Cytogenetic location: 20q11.21.
Variant type: single nucleotide variant.
Coding change: c.304G>T on transcript NM_033118.4 (MANE Select); coding-DNA position 304, G replaced by T.
Protein change: p.Ala102Ser; replaces alanine 102 with serine.
Molecular consequence: missense variant.
Genome position (GRCh38, 1-based): chr20:31,820,377, G>T. VCF-style: chr20-31820377-G-T. GRCh37 (hg19) VCF-style: chr20-30408180-G-T.
Other names: short protein forms A102S.
Identifiers: ClinVar variation 4554941 (VCV004554941.1).